The following is an entry in ClinVar:

NM_001042492.3(NF1):c.5246_5247del (p.Lys1749fs)

Gene: NF1 (neurofibromin 1; plus strand). Cytogenetic location: 17q11.2.
Variant type: Deletion.
Coding change: c.5246_5247del on transcript NM_001042492.3 (MANE Select); coding-DNA positions 5246 to 5247, 2 bases deleted (AA; older notation c.5246_5247delAA).
Protein change: p.Lys1749fs; shifts the reading frame from lysine 1749.
Molecular consequence: frameshift variant.
Genome position (GRCh38, 1-based): chr17:31,326,230-31,326,231, AA deleted; deleting any 2 consecutive bases within chr17:31,326,229-31,326,231 gives the same sequence; the c. name uses the placement nearest the transcript's 3' end. VCF-style (leftmost placement, unchanged base first): chr17-31326228-CAA-C. GRCh37 (hg19) VCF-style: chr17-29653246-CAA-C.
Other names: c.5183_5184delAA, p.Lys1728Argfs (NM_000267.4); short protein forms K1728fs, K1749fs.
Identifiers: ClinVar variation 1069148 (VCV001069148.6), dbSNP rs1555533409, ClinGen allele CA2499224163.

ClinVar aggregate classification (germline): Pathogenic. Review status: criteria provided, multiple submitters, no conflicts (2 of 4 stars). 2 submissions from 2 submitters: Pathogenic (2). Last evaluated 2026-02-02.

Conditions:
Neurofibromatosis, type 1 (NF1). Also called: VON RECKLINGHAUSEN DISEASE; Peripheral type neurofibromatosis; NEUROFIBROMATOSIS, TYPE I, SOMATIC; Neurofibromatosis, type I. Identifiers: Orphanet 636, MedGen C0027831, MONDO:0018975, OMIM 162200. Disease mechanism: loss of function.

Submissions (2):

Institute of Human Genetics, University of Leipzig Medical Center
Classification: Pathogenic for Neurofibromatosis, type 1. Last evaluated: 2026-02-02. Review status: criteria provided, single submitter. Criteria: ACMG Guidelines, 2015. Collection method: clinical testing. Allele origin: unknown. Inheritance: Autosomal dominant inheritance. Affected: yes.
Comment: Criteria applied: PVS1,PM2

Labcorp Genetics (formerly Invitae), Labcorp
Classification: Pathogenic for Neurofibromatosis, type 1. Last evaluated: 2025-02-04. Review status: criteria provided, single submitter. Criteria: Invitae Variant Classification Sherloc (09022015). Collection method: clinical testing. Allele origin: germline.
Comment: This sequence change creates a premature translational stop signal (p.Lys1728Argfs*7) in the NF1 gene. It is expected to result in an absent or disrupted protein product. Loss-of-function variants in NF1 are known to be pathogenic (PMID: 10712197, 23913538). This variant is not present in population databases (gnomAD no frequency). This variant has not been reported in the literature in individuals affected with NF1-related conditions. ClinVar contains an entry for this variant (Variation ID: 1069148). Algorithms developed to predict the effect of sequence changes on RNA splicing suggest that this variant may disrupt the consensus splice site. For these reasons, this variant has been classified as Pathogenic.

Literature cited by the submitters: PubMed 10712197 (cited by Labcorp Genetics (formerly Invitae), Labcorp); PubMed 23913538 (cited by Labcorp Genetics (formerly Invitae), Labcorp).